The following is an entry in ClinVar:

ClinVar aggregate classification (germline): Uncertain significance (1 of 4 stars; one submission).

Submission:

Labcorp Genetics (formerly Invitae), Labcorp
Classification: Uncertain significance. Last evaluated: 2022-06-15. Review status: criteria provided, single submitter. Criteria: Invitae Variant Classification Sherloc (09022015). Collection method: clinical testing. Allele origin: germline.
Comment: This variant results in a copy number gain of the genomic region encompassing exon(s) 1 of the RAB11B gene. This region includes the initiator codon of the gene. This copy number gain extends beyond the assayed region for this gene and therefore may encompass additional genes. As the precise location of this event is unknown, it may be in tandem or it may be located elsewhere in the genome. This variant has not been reported in the literature in individuals affected with RAB11B-related conditions. In summary, the available evidence is currently insufficient to determine the role of this variant in disease. Therefore, it has been classified as a Variant of Uncertain Significance.

NC_000019.9:g.(?_8429206)_(8455360_?)dup

Genes: ANGPTL4 (angiopoietin like 4; plus strand), RAB11B (RAB11B, member RAS oncogene family; plus strand). Cytogenetic location: 19p13.2.
Variant type: Duplication.
Identifiers: ClinVar variation 1512476 (VCV001512476.4).